The following is an entry in ClinVar:

ClinVar aggregate classification (germline): Uncertain significance (1 of 4 stars; one submission).

Conditions:
Generalized epilepsy with febrile seizures plus, type 7 (GEFSP7). Also called: GEFS+, TYPE 7. Identifiers: Orphanet 36387, MedGen C2751778, MONDO:0013470, OMIM 613863.
Neuropathy, hereditary sensory and autonomic, type 2A (HSAN2A). Also called: ACROOSTEOLYSIS, GIACCAI TYPE; ACROOSTEOLYSIS, NEUROGENIC; HSAN IIA; WNK1-Related HSAN2 (HSAN2A); NEUROPATHY, CONGENITAL SENSORY; NEUROPATHY, HEREDITARY SENSORY RADICULAR, AUTOSOMAL RECESSIVE. Identifiers: Orphanet 970, MedGen C2752089, MONDO:0024309, OMIM 201300.

Allele frequency attached by ClinVar (database versions not stated): gnomAD exomes below 0.00001.
gnomAD v4.1: 2 of 1,613,230 alleles (0.00012%); highest among the groups gnomAD compares: Non-Finnish European, 0.00017%; no homozygotes.

Submission:

Labcorp Genetics (formerly Invitae), Labcorp
Classification: Uncertain significance for Neuropathy, hereditary sensory and autonomic, type 2A; Generalized epilepsy with febrile seizures plus, type 7. Last evaluated: 2021-02-02. Review status: criteria provided, single submitter. Criteria: Invitae Variant Classification Sherloc (09022015). Collection method: clinical testing. Allele origin: germline.
Comment: In summary, the available evidence is currently insufficient to determine the role of this variant in disease. Therefore, it has been classified as a Variant of Uncertain Significance. Algorithms developed to predict the effect of missense changes on protein structure and function are either unavailable or do not agree on the potential impact of this missense change (SIFT: "Deleterious"; PolyPhen-2: "Benign"; Align-GVGD: "Class C65"). This variant has not been reported in the literature in individuals with SCN9A-related conditions. This variant is not present in population databases (ExAC no frequency). This sequence change replaces aspartic acid with glycine at codon 1961 of the SCN9A protein (p.Asp1961Gly). The aspartic acid residue is highly conserved and there is a moderate physicochemical difference between aspartic acid and glycine.

NM_001365536.1(SCN9A):c.5915A>G (p.Asp1972Gly)

Genes: SCN9A (sodium voltage-gated channel alpha subunit 9; minus strand), SCN1A-AS1 (SCN1A and SCN9A antisense RNA 1; plus strand). Cytogenetic location: 2q24.3.
Variant type: single nucleotide variant.
Coding change: c.5915A>G on transcript NM_001365536.1 (MANE Select); coding-DNA position 5915, A replaced by G.
Protein change: p.Asp1972Gly; replaces aspartic acid 1972 with glycine.
Molecular consequence: missense variant.
Genome position (GRCh38, 1-based): chr2:166,198,724, T>C on the plus strand (A>G on the coding strand, the complement: SCN9A is on the minus strand). VCF-style: chr2-166198724-T-C. GRCh37 (hg19) VCF-style: chr2-167055234-T-C.
Other names: c.5882A>G, p.Asp1961Gly (NM_002977.4); short protein forms D1961G, D1972G.
Identifiers: ClinVar variation 1429064 (VCV001429064.8), dbSNP rs2106335560, ClinGen allele CA349051082.